The following is an entry in ClinVar:

ClinVar aggregate classification (germline): Conflicting classifications of pathogenicity. Review status: criteria provided, conflicting classifications (1 of 4 stars). 6 submissions from 6 submitters: Uncertain significance (1); Benign (3); Likely benign (1). 1 of the submissions does not count toward it. Last evaluated 2026-01-01.

Conditions:
ZNF407-related disorder. Also called: ZNF407-related condition.

Allele frequency attached by ClinVar (database versions not stated): ExAC 0.00080; ESP Exome Variant Server 0.00233; TOPMed 0.00251; gnomAD 0.00252; 1000 Genomes Project 0.00300; 1000 Genomes Project 30x 0.00344.
gnomAD v4.1: 723 of 1,613,970 alleles (0.045%); highest among the groups gnomAD compares: African/African-American, 0.86%; 2 homozygotes.

Submissions (6):

CeGaT Center for Human Genetics Tuebingen
Classification: Likely benign. Last evaluated: 2026-01-01. Review status: criteria provided, single submitter. Criteria: CeGaT Center For Human Genetics Tuebingen Variant Classification Criteria Version 2. Collection method: clinical testing. Allele origin: germline. Affected: yes. Observed: 2 variant alleles.
Comment: ZNF407: BP4

Ambry Genetics
Classification: Uncertain significance. Last evaluated: 2025-11-08. Review status: criteria provided, single submitter. Criteria: Ambry Variant Classification Scheme 2023. Collection method: clinical testing. Allele origin: germline.

Labcorp Genetics (formerly Invitae), Labcorp
Classification: Benign. Last evaluated: 2018-07-11. Review status: criteria provided, single submitter. Criteria: Invitae Variant Classification Sherloc (09022015). Collection method: clinical testing. Allele origin: germline.

Genetic Services Laboratory, University of Chicago
Classification: Benign. Last evaluated: 2017-03-17. Review status: criteria provided, single submitter. Criteria: ACMG Guidelines, 2015. Collection method: clinical testing. Allele origin: germline. Affected: no.

Breakthrough Genomics
Classification: Benign. Review status: criteria provided, single submitter. Criteria: ACMG Guidelines, 2015. Collection method: not provided. Allele origin: germline. Inheritance: Autosomal recessive inheritance. Affected: yes.

PreventionGenetics, part of Exact Sciences
Classification: Benign for ZNF407-related condition. Last evaluated: 2019-08-08. Review status: no assertion criteria provided. Collection method: clinical testing. Allele origin: germline. Not counted in ClinVar's aggregate classification.
Comment: This variant is classified as benign based on ACMG/AMP sequence variant interpretation guidelines (Richards et al. 2015 PMID: 25741868, with internal and published modifications).

NM_017757.3(ZNF407):c.4106G>A (p.Gly1369Asp)

Gene: ZNF407 (zinc finger protein 407; plus strand). Cytogenetic location: 18q22.3.
Variant type: single nucleotide variant.
Coding change: c.4106G>A on transcript NM_017757.3 (MANE Select); coding-DNA position 4106, G replaced by A.
Protein change: p.Gly1369Asp; replaces glycine 1369 with aspartic acid.
Molecular consequence: missense variant.
Genome position (GRCh38, 1-based): chr18:74,635,125, G>A. VCF-style: chr18-74635125-G-A. GRCh37 (hg19) VCF-style: chr18-72347081-G-A.
Other names: c.4106G>A, p.Gly1369Asp (NM_001146189.1, NM_001146190.1, NM_001384475.1); short protein forms G1369D.
Identifiers: ClinVar variation 437364 (VCV000437364.19), dbSNP rs34141917, ClinGen allele CA9000820.
Genomic context (GRCh38, chr18:74,635,125, plus strand): 5'-CCATGTACAGTTTTGGTCGATTTGACTCCTCCATAATAAGAATAAAGAACCCTGAAGATG[G>A]TGAGTTGATAGACCAGTCTGAAGAGGGCTTGATAGCAACGGGAGTGAGAATTAGTGAGCT-3'
Protein context (NP_060227.2, residues 1359-1379): SIIRIKNPED[Gly1369Asp]ELIDQSEEGL